The following is an entry in ClinVar:

ClinVar aggregate classification (germline): Uncertain significance. Review status: criteria provided, multiple submitters, no conflicts (2 of 4 stars). 2 submissions from 2 submitters: Uncertain significance (2). Last evaluated 2026-07-13.

Conditions:
DNMT3A-related disorder. Also called: DNMT3A-related disorders; DNMT3A-related condition.
Intellectual disability. Also called: Intellectual developmental disorder; Intellectual functioning disability; intellectual disabilities. Identifiers: MedGen C3714756, MeSH D008607, MONDO:0001071, HP:0001249.

gnomAD v4.1: 30 of 1,549,778 alleles (0.0019%); highest among the groups gnomAD compares: Non-Finnish European, 0.0024%; no homozygotes.

Submissions (2):

PreventionGenetics, part of Exact Sciences
Classification: Uncertain significance for DNMT3A-related condition. Last evaluated: 2026-07-13. Review status: criteria provided, single submitter. Criteria: ACMG Guidelines, 2015. Collection method: clinical testing. Allele origin: germline.
Comment: The DNMT3A c.56G>A variant is predicted to result in the amino acid substitution p.Arg19Gln. To our knowledge, this variant has not been reported in the literature. Statistical evidence in gnomAD suggests the DNMT3A gene is intolerant of missense variation. This variant is reported in 0.0076% of alleles in individuals of East Asian descent in gnomAD. An alternate missense change at the same amino acid position, c.55C>T (p.Arg19Trp), has been reported in an individual with acute myeloid leukemia (AML) (Lu et al. 2013. PubMed ID: 23305405). At this time, the clinical significance of this variant is uncertain due to the absence of conclusive functional and genetic evidence.

Cambridge Genomics Laboratory, East Genomic Laboratory Hub, NHS Genomic Medicine Service
Classification: Uncertain significance for Intellectual disability. Last evaluated: 2019-12-30. Review status: criteria provided, single submitter. Criteria: ACGS Best Practice Guidelines for Variant Classification in Rare Disease 2020. Collection method: clinical testing. Allele origin: germline. Affected: yes. Observed: 1 variant allele.

NM_022552.5(DNMT3A):c.56G>A (p.Arg19Gln)

Gene: DNMT3A (DNA methyltransferase 3 alpha; minus strand). Cytogenetic location: 2p23.3.
Variant type: single nucleotide variant.
Coding change: c.56G>A on transcript NM_022552.5 (MANE Select); coding-DNA position 56, G replaced by A.
Protein change: p.Arg19Gln; replaces arginine 19 with glutamine.
Molecular consequence: missense variant. On other transcripts: non-coding transcript variant (1).
Genome position (GRCh38, 1-based): chr2:25,313,929, C>T on the plus strand (G>A on the coding strand, the complement: DNMT3A is on the minus strand). VCF-style: chr2-25313929-C-T. GRCh37 (hg19) VCF-style: chr2-25536798-C-T.
Other names: c.56G>A, p.Arg19Gln (NM_001320892.2, NM_175629.2, NM_175630.1); short protein forms R19Q.
Identifiers: ClinVar variation 4075281 (VCV004075281.2).